The following is an entry in ClinVar:

ClinVar aggregate classification (germline): Likely pathogenic. Review status: criteria provided, multiple submitters, no conflicts (2 of 4 stars). 2 submissions from 2 submitters: Likely pathogenic (2). Last evaluated 2025-04-08.

Conditions:
Autosomal recessive nonsyndromic hearing loss 101. Also called: Deafness, autosomal recessive 101. Identifiers: Orphanet 90636, MedGen C3892049, MONDO:0014363, OMIM 615837.

Submissions (2):

Hereditary Deafness Genetic Testing Group, The First Affiliated Hospital of Zhengzhou University
Classification: Likely pathogenic for Autosomal recessive nonsyndromic hearing loss 101. Last evaluated: 2025-04-08. Review status: criteria provided, single submitter. Criteria: ACMG Guidelines, 2015. Collection method: clinical testing. Allele origin: germline. Affected: yes.

Institute of Rare Diseases, West China Hospital, Sichuan University
Classification: Likely pathogenic for Autosomal recessive nonsyndromic hearing loss 101. Last evaluated: 2025-01-09. Review status: criteria provided, single submitter. Criteria: ClinGen HL ACMG Specifications v1. Collection method: research. Allele origin: germline. Affected: yes.
Comment: PVS1;PM2_Supporting

Literature cited by the submitters: PubMed 40542191 (cited by Hereditary Deafness Genetic Testing Group, The First Affiliated Hospital of Zhengzhou University).

NM_001080516.2(GRXCR2):c.247C>T (p.Gln83Ter)

Gene: GRXCR2 (glutaredoxin and cysteine rich domain containing 2; minus strand). Cytogenetic location: 5q32.
Variant type: single nucleotide variant.
Coding change: c.247C>T on transcript NM_001080516.2 (MANE Select); coding-DNA position 247, C replaced by T.
Protein change: p.Gln83Ter; replaces glutamine 83 with a stop codon.
Molecular consequence: nonsense.
Genome position (GRCh38, 1-based): chr5:145,872,722, G>A on the plus strand (C>T on the coding strand, the complement: GRXCR2 is on the minus strand). VCF-style: chr5-145872722-G-A. GRCh37 (hg19) VCF-style: chr5-145252285-G-A.
Other names: short protein forms Q83*.
Identifiers: ClinVar variation 3601167 (VCV003601167.2).